The following is an entry in ClinVar:

NM_144670.6(A2ML1):c.1366C>T (p.His456Tyr)

Gene: A2ML1 (alpha-2-macroglobulin like 1; plus strand). Cytogenetic location: 12p13.31.
Variant type: single nucleotide variant.
Coding change: c.1366C>T on transcript NM_144670.6 (MANE Select); coding-DNA position 1366, C replaced by T.
Protein change: p.His456Tyr; replaces histidine 456 with tyrosine.
Molecular consequence: missense variant.
Genome position (GRCh38, 1-based): chr12:8,843,251, C>T. VCF-style: chr12-8843251-C-T. GRCh37 (hg19) VCF-style: chr12-8995847-C-T.
Other names: short protein forms H456Y.
Identifiers: ClinVar variation 3729776 (VCV003729776.2).

ClinVar aggregate classification (germline): Uncertain significance (1 of 4 stars; one submission).

gnomAD v4.1: 5 of 1,614,218 alleles (0.00031%); highest among the groups gnomAD compares: Non-Finnish European, 0.00042%; no homozygotes.

Submission:

Labcorp Genetics (formerly Invitae), Labcorp
Classification: Uncertain significance. Last evaluated: 2025-01-29. Review status: criteria provided, single submitter. Criteria: Invitae Variant Classification Sherloc (09022015). Collection method: clinical testing. Allele origin: germline.
Comment: This sequence change replaces histidine, which is basic and polar, with tyrosine, which is neutral and polar, at codon 456 of the A2ML1 protein (p.His456Tyr). This variant is present in population databases (rs766300720, gnomAD 0.0009%). This variant has not been reported in the literature in individuals affected with A2ML1-related conditions. An algorithm developed to predict the effect of missense changes on protein structure and function outputs the following: PolyPhen-2: "Benign". The tyrosine amino acid residue is found in multiple mammalian species, which suggests that this missense change does not adversely affect protein function. In summary, the available evidence is currently insufficient to determine the role of this variant in disease. Therefore, it has been classified as a Variant of Uncertain Significance.